The following is an entry in ClinVar:

NM_001244008.2(KIF1A):c.5143G>A (p.Val1715Met)

Gene: KIF1A (kinesin family member 1A; minus strand). Cytogenetic location: 2q37.3.
Variant type: single nucleotide variant.
Coding change: c.5143G>A on transcript NM_001244008.2 (MANE Select); coding-DNA position 5143, G replaced by A.
Protein change: p.Val1715Met; replaces valine 1715 with methionine.
Molecular consequence: missense variant.
Genome position (GRCh38, 1-based): chr2:240,719,077, C>T on the plus strand (G>A on the coding strand, the complement: KIF1A is on the minus strand). VCF-style: chr2-240719077-C-T. GRCh37 (hg19) VCF-style: chr2-241658494-C-T.
Other names: c.4840G>A (NM_004321.6); c.4867G>A, p.Val1623Met (NM_001320705.2, NM_001379649.1); c.4894G>A, p.Val1632Met (NM_001330289.2); c.4942G>A, p.Val1648Met (NM_001330290.2, NM_001379648.1); c.5218G>A, p.Val1740Met (NM_001379631.1); c.5119G>A, p.Val1707Met (NM_001379632.1); c.5116G>A, p.Val1706Met (NM_001379633.1, NM_001379645.1); c.4969G>A, p.Val1657Met (NM_001379634.1); and 8 more; short protein forms V1622M, V1623M, V1639M, V1656M, V1740M, V1613M, V1614M, V1632M.
Identifiers: ClinVar variation 1445729 (VCV001445729.10), dbSNP rs766569322, ClinGen allele CA2207166.

ClinVar aggregate classification (germline): Conflicting classifications of pathogenicity. Review status: criteria provided, conflicting classifications (1 of 4 stars). 3 submissions from 3 submitters: Uncertain significance (2); Likely benign (1). Last evaluated 2024-11-26.

Conditions:
Hereditary spastic paraplegia 30. Identifiers: Orphanet 101010, MedGen C5235139, MONDO:0012476.
Neuropathy, hereditary sensory, type 2C. Also called: Hereditary sensory and autonomic neuropathy type IIC; KIF1A-Related HSAN2 (HSAN2C). Identifiers: Orphanet 970, MedGen C3280168, MONDO:0013634, OMIM 614213.
Intellectual disability, autosomal dominant 9 (NESCAVS). Also called: KIF1A-Related Neurodevelopmental Disorder; NESCAV SYNDROME. Identifiers: Orphanet 662367, MedGen C5393830, MONDO:0013656, OMIM 614255.

Allele frequency attached by ClinVar (database versions not stated): gnomAD 0.00001; TOPMed 0.00001; gnomAD exomes 0.00002; ExAC 0.00003.
gnomAD v4.1: 32 of 1,612,282 alleles (0.002%); highest among the groups gnomAD compares: East Asian, 0.0045%; no homozygotes.

Submissions (3):

Labcorp Genetics (formerly Invitae), Labcorp
Classification: Likely benign for Hereditary spastic paraplegia 30; Neuropathy, hereditary sensory, type 2C; Intellectual disability, autosomal dominant 9. Last evaluated: 2024-11-26. Review status: criteria provided, single submitter. Criteria: Invitae Variant Classification Sherloc (09022015). Collection method: clinical testing. Allele origin: germline.

Blueprint Genetics
Classification: Uncertain significance. Last evaluated: 2024-01-22. Review status: criteria provided, single submitter. Criteria: ACMG Guidelines, 2015. Collection method: clinical testing. Allele origin: germline.

GeneDx
Classification: Uncertain significance. Last evaluated: 2023-11-20. Review status: criteria provided, single submitter. Criteria: GeneDx Variant Classification Process June 2021. Collection method: clinical testing. Allele origin: germline. Affected: yes.
Comment: In silico analysis supports that this missense variant has a deleterious effect on protein structure/function; Has not been previously published as pathogenic or benign to our knowledge; This variant is associated with the following publications: (PMID: 21376300, 21820098, 26125038)